The following is an entry in ClinVar:

ClinVar aggregate classification (germline): Uncertain significance (1 of 4 stars; one submission).

Conditions:
Compton-North congenital myopathy (CMYO12). Identifiers: Orphanet 210163, MedGen C2675527, MONDO:0012929, OMIM 612540.

Allele frequency attached by ClinVar (database versions not stated): TOPMed below 0.00001; gnomAD exomes 0.00002.
gnomAD v4.1: 22 of 1,611,402 alleles (0.0014%); highest among the groups gnomAD compares: East Asian, 0.0022%; no homozygotes.

Submission:

Labcorp Genetics (formerly Invitae), Labcorp
Classification: Uncertain significance for Compton-North congenital myopathy. Last evaluated: 2022-01-15. Review status: criteria provided, single submitter. Criteria: Invitae Variant Classification Sherloc (09022015). Collection method: clinical testing. Allele origin: germline.
Comment: This variant has not been reported in the literature in individuals affected with CNTN1-related conditions. This sequence change replaces arginine, which is basic and polar, with histidine, which is basic and polar, at codon 171 of the CNTN1 protein (p.Arg171His). This variant is present in population databases (rs201037986, gnomAD 0.04%). ClinVar contains an entry for this variant (Variation ID: 968372). Advanced modeling of protein sequence and biophysical properties (such as structural, functional, and spatial information, amino acid conservation, physicochemical variation, residue mobility, and thermodynamic stability) performed at Invitae indicates that this missense variant is not expected to disrupt CNTN1 protein function. In summary, the available evidence is currently insufficient to determine the role of this variant in disease. Therefore, it has been classified as a Variant of Uncertain Significance.

NM_001843.4(CNTN1):c.512G>A (p.Arg171His)

Gene: CNTN1 (contactin 1; plus strand). Cytogenetic location: 12q12.
Variant type: single nucleotide variant.
Coding change: c.512G>A on transcript NM_001843.4 (MANE Select); coding-DNA position 512, G replaced by A.
Protein change: p.Arg171His; replaces arginine 171 with histidine.
Molecular consequence: missense variant.
Genome position (GRCh38, 1-based): chr12:40,929,811, G>A. VCF-style: chr12-40929811-G-A. GRCh37 (hg19) VCF-style: chr12-41323613-G-A.
Other names: c.512G>A, p.Arg171His (NM_001256063.2, NM_001256064.2); c.479G>A, p.Arg160His (NM_175038.2); short protein forms R160H, R171H.
Identifiers: ClinVar variation 968372 (VCV000968372.9), dbSNP rs201037986, ClinGen allele CA235395276.